The following is an entry in ClinVar:

ClinVar aggregate classification (germline): Pathogenic (1 of 4 stars; one submission).

Conditions:
Multiple monogenic benign skin tumours.

Submission:

Genetics Laboratory, Great Ormond Street Hospital NHS Foundation Trust, North Thames Genomic Laboratory Hub
Classification: Pathogenic for Multiple monogenic benign skin tumours. Last evaluated: 2025-08-27. Review status: criteria provided, single submitter. Criteria: ACGS Best Practice Guidelines for Variant Classification in Rare Disease 2024 v1.2. Collection method: clinical testing. Allele origin: germline. Affected: yes.
Comment: PM2_moderate, PVS1_very-strong, PP4_supporting

NM_014319.5(LEMD3):c.1899del (p.His633fs)

Gene: LEMD3 (LEM domain containing 3; plus strand). Cytogenetic location: 12q14.3.
Variant type: Deletion.
Coding change: c.1899del on transcript NM_014319.5 (MANE Select); coding-DNA position 1899, one base deleted (C; older notation c.1899delC).
Protein change: p.His633fs; shifts the reading frame from histidine 633.
Molecular consequence: frameshift variant.
Genome position (GRCh38, 1-based): chr12:65,238,792, C deleted. VCF-style (leftmost placement, unchanged base first): chr12-65238791-AC-A. GRCh37 (hg19) VCF-style: chr12-65632571-AC-A.
Other names: c.1896del, p.His632fs (NM_001167614.2); short protein forms H633fs, H632fs.
Identifiers: ClinVar variation 4294334 (VCV004294334.1).